The following is an entry in ClinVar:

NM_080732.4(EGLN2):c.1202C>T (p.Ser401Leu)

Genes: EGLN2 (egl-9 family hypoxia inducible factor 2; plus strand), RAB4B-EGLN2 (RAB4B-EGLN2 readthrough (NMD candidate); plus strand). Cytogenetic location: 19q13.2.
Variant type: single nucleotide variant.
Coding change: c.1202C>T on transcript NM_080732.4 (MANE Select); coding-DNA position 1202, C replaced by T.
Protein change: p.Ser401Leu; replaces serine 401 with leucine.
Molecular consequence: missense variant. On other transcripts: non-coding transcript variant (1).
Genome position (GRCh38, 1-based): chr19:40,807,842, C>T. VCF-style: chr19-40807842-C-T. GRCh37 (hg19) VCF-style: chr19-41313747-C-T.
Other names: c.1202C>T, p.Ser401Leu (NM_053046.4); short protein forms S401L.
Identifiers: ClinVar variation 2497299 (VCV002497299.2), dbSNP rs1477585482, ClinGen allele CA405956929.

ClinVar aggregate classification (germline): Uncertain significance (1 of 4 stars; one submission).

Submission:

Ambry Genetics
Classification: Uncertain significance. Last evaluated: 2022-12-18. Review status: criteria provided, single submitter. Criteria: Ambry Variant Classification Scheme 2023. Collection method: clinical testing. Allele origin: germline.
Comment: The p.S401L variant (also known as c.1202C>T), located in coding exon 5 of the EGLN2 gene, results from a C to T substitution at nucleotide position 1202. The serine at codon 401 is replaced by leucine, an amino acid with dissimilar properties. This amino acid position is conserved. In addition, the in silico prediction for this alteration is inconclusive. Since supporting evidence is limited at this time, the clinical significance of this alteration remains unclear.